The following is an entry in ClinVar:

NM_001127598.3(IGF2):c.97C>T (p.Gln33Ter)

Genes: IGF2 (insulin like growth factor 2; minus strand), INS-IGF2 (INS-IGF2 readthrough; minus strand). Cytogenetic location: 11p15.5.
Variant type: single nucleotide variant.
Coding change: c.97C>T on transcript NM_001127598.3; coding-DNA position 97, C replaced by T.
Protein change: p.Gln33Ter; replaces glutamine 33 with a stop codon.
Molecular consequence: nonsense. On other transcripts: intron variant (2).
Genome position (GRCh38, 1-based): chr11:2,140,200, G>A on the plus strand (C>T on the coding strand, the complement: IGF2 is on the minus strand). VCF-style: chr11-2140200-G-A. GRCh37 (hg19) VCF-style: chr11-2161430-G-A.
Other names: c.-6-4671C>T (NM_001007139.6); c.-7+657C>T (NM_001291862.3); short protein forms Q33*.
Identifiers: ClinVar variation 710647 (VCV000710647.25), dbSNP rs200441006, ClinGen allele CA5817794.

ClinVar aggregate classification (germline): Conflicting classifications of pathogenicity. Review status: criteria provided, conflicting classifications (1 of 4 stars). 6 submissions from 6 submitters: Uncertain significance (2); Likely benign (4). Last evaluated 2026-08-11.

Conditions:
Beckwith-Wiedemann syndrome (BWS). Also called: Exomphalos macroglossia gigantism syndrome; EMG SYNDROME. Identifiers: Orphanet 116, MedGen C0004903, MONDO:0007534, OMIM 130650.
Wilms tumor 1 (WT1). Also called: Wilms tumor, somatic. Identifiers: Orphanet 654, MedGen CN033288, MONDO:0008679, OMIM 194070.
Silver-Russell syndrome 1 (SRS1). Also called: Chromosome 7-Related Russell-Silver Syndrome. Identifiers: Orphanet 813, MedGen C5393125, MONDO:0020796, OMIM 180860.
Silver-Russell syndrome 3 (SRS3). Also called: Growth restriction, severe, with distinctive facies. Identifiers: MedGen C4225307, MONDO:0014663, OMIM 616489.
Inborn genetic diseases. Identifiers: MedGen C0950123, MeSH D030342.

Allele frequency attached by ClinVar (database versions not stated): ESP Exome Variant Server 0.00068; gnomAD 0.00068 and 0.00061; TOPMed 0.00076; ExAC 0.00073; gnomAD exomes 0.00115 and 0.00081; 1000 Genomes Project 30x 0.00078; 1000 Genomes Project 0.00080.
gnomAD v4.1: 1,774 of 1,613,414 alleles (0.11%); highest among the groups gnomAD compares: South Asian, 0.13%; 3 homozygotes.

Submissions (6):

GeneDx
Classification: Uncertain significance. Last evaluated: 2026-08-11. Review status: criteria provided, single submitter. Criteria: GeneDx Variant Classification Process June 2021. Collection method: clinical testing. Allele origin: germline.
Comment: Observed in a patient with HELLP syndrome; however, no other features consistent with IGF2-related disorders were reported (PMID: 33059327); Reported using an alternate transcript of the gene; Nonsense variant predicted to result in protein truncation or nonsense mediated decay in a gene or region of a gene for which loss of function is not an established mechanism of disease; This variant is associated with the following publications: (PMID: 31345219, 36385415, 28869590, 33059327)

CeGaT Center for Human Genetics Tuebingen
Classification: Likely benign. Last evaluated: 2025-02-01. Review status: criteria provided, single submitter. Criteria: CeGaT Center For Human Genetics Tuebingen Variant Classification Criteria Version 2. Collection method: clinical testing. Allele origin: germline. Affected: yes. Observed: 1 variant allele.
Comment: IGF2: BS1

Blueprint Genetics
Classification: Likely benign. Last evaluated: 2024-11-20. Review status: criteria provided, single submitter. Criteria: ACMG Guidelines, 2015. Collection method: clinical testing. Allele origin: germline.

Department of Pathology and Laboratory Medicine, Sinai Health System
Classification: Uncertain significance for Beckwith-Wiedemann syndrome; Silver-Russell syndrome 1; Wilms tumor 1; Silver-Russell syndrome 3. Last evaluated: 2022-05-18. Review status: criteria provided, single submitter. Criteria: ACMG Guidelines, 2015. Collection method: research. Allele origin: germline.

Ambry Genetics
Classification: Likely benign for Inborn genetic diseases. Last evaluated: 2021-10-22. Review status: criteria provided, single submitter. Criteria: Ambry Variant Classification Scheme 2023. Collection method: clinical testing. Allele origin: germline.

Labcorp Genetics (formerly Invitae), Labcorp
Classification: Likely benign. Last evaluated: 2018-07-15. Review status: criteria provided, single submitter. Criteria: Invitae Variant Classification Sherloc (09022015). Collection method: clinical testing. Allele origin: germline.